The following is an entry in ClinVar:

NM_016042.4(EXOSC3):c.674A>G (p.Tyr225Cys)

Gene: EXOSC3 (exosome component 3; minus strand). Cytogenetic location: 9p13.2.
Variant type: single nucleotide variant.
Coding change: c.674A>G on transcript NM_016042.4 (MANE Select); coding-DNA position 674, A replaced by G.
Protein change: p.Tyr225Cys; replaces tyrosine 225 with cysteine.
Molecular consequence: missense variant. On other transcripts: 3 prime UTR variant (1).
Genome position (GRCh38, 1-based): chr9:37,780,833, T>C on the plus strand (A>G on the coding strand, the complement: EXOSC3 is on the minus strand). VCF-style: chr9-37780833-T-C. GRCh37 (hg19) VCF-style: chr9-37780830-T-C.
Other names: c.674A>G (NM_016042.3); c.*27A>G (NM_001002269.2); short protein forms Y225C.
Identifiers: ClinVar variation 2082361 (VCV002082361.4), dbSNP rs546917405, ClinGen allele CA5062685.

ClinVar aggregate classification (germline): Uncertain significance. Review status: criteria provided, multiple submitters, no conflicts (2 of 4 stars). 2 submissions from 2 submitters: Uncertain significance (2). Last evaluated 2025-01-29.

Conditions:
Pontocerebellar hypoplasia type 1B. Also called: EXOSC3 Pontocerebellar Hypoplasia. Identifiers: Orphanet 2254, MedGen C3553449, MONDO:0013853, OMIM 614678.

Allele frequency attached by ClinVar (database versions not stated): gnomAD exomes 0.00001; gnomAD 0.00003; ExAC 0.00004; TOPMed 0.00005; 1000 Genomes Project 0.00020.
gnomAD v4.1: 24 of 1,613,716 alleles (0.0015%); highest among the groups gnomAD compares: Middle Eastern, 0.017%; no homozygotes.

Submissions (2):

GeneDx
Classification: Uncertain significance. Last evaluated: 2025-01-29. Review status: criteria provided, single submitter. Criteria: GeneDx Variant Classification Process June 2021. Collection method: clinical testing. Allele origin: germline. Affected: yes.
Comment: In silico analysis supports that this missense variant has a deleterious effect on protein structure/function; Has not been previously published as pathogenic or benign to our knowledge

Labcorp Genetics (formerly Invitae), Labcorp
Classification: Uncertain significance for Pontocerebellar hypoplasia type 1B. Last evaluated: 2024-05-15. Review status: criteria provided, single submitter. Criteria: Invitae Variant Classification Sherloc (09022015). Collection method: clinical testing. Allele origin: germline.
Comment: This sequence change replaces tyrosine, which is neutral and polar, with cysteine, which is neutral and slightly polar, at codon 225 of the EXOSC3 protein (p.Tyr225Cys). This variant is present in population databases (rs546917405, gnomAD 0.02%). This variant has not been reported in the literature in individuals affected with EXOSC3-related conditions. ClinVar contains an entry for this variant (Variation ID: 2082361). Advanced modeling of protein sequence and biophysical properties (such as structural, functional, and spatial information, amino acid conservation, physicochemical variation, residue mobility, and thermodynamic stability) performed at Invitae indicates that this missense variant is not expected to disrupt EXOSC3 protein function with a negative predictive value of 80%. In summary, the available evidence is currently insufficient to determine the role of this variant in disease. Therefore, it has been classified as a Variant of Uncertain Significance.